The following is an entry in ClinVar:

ClinVar aggregate classification (germline): Uncertain significance (1 of 4 stars; one submission).

Submission:

Ambry Genetics
Classification: Uncertain significance. Last evaluated: 2023-02-28. Review status: criteria provided, single submitter. Criteria: Ambry Variant Classification Scheme 2023. Collection method: clinical testing. Allele origin: germline.
Comment: The p.L2220V variant (also known as c.6658C>G), located in coding exon 22 of the POLQ gene, results from a C to G substitution at nucleotide position 6658. The leucine at codon 2220 is replaced by valine, an amino acid with highly similar properties. This amino acid position is conserved. In addition, this alteration is predicted to be tolerated by in silico analysis. Since supporting evidence is limited at this time, the clinical significance of this alteration remains unclear.

NM_199420.4(POLQ):c.6658C>G (p.Leu2220Val)

Gene: POLQ (DNA polymerase theta; minus strand). Cytogenetic location: 3q13.33.
Variant type: single nucleotide variant.
Coding change: c.6658C>G on transcript NM_199420.4 (MANE Select); coding-DNA position 6658, C replaced by G.
Protein change: p.Leu2220Val; replaces leucine 2220 with valine.
Molecular consequence: missense variant.
Genome position (GRCh38, 1-based): chr3:121,472,050, G>C on the plus strand (C>G on the coding strand, the complement: POLQ is on the minus strand). VCF-style: chr3-121472050-G-C. GRCh37 (hg19) VCF-style: chr3-121190897-G-C.
Other names: short protein forms L2220V.
Identifiers: ClinVar variation 2449040 (VCV002449040.2), dbSNP rs2546773362, ClinGen allele CA354085255.